The following is an entry in ClinVar:

NM_015175.3(NBEAL2):c.3036C>T (p.Ser1012=)

Gene: NBEAL2 (neurobeachin like 2; plus strand). Cytogenetic location: 3p21.31.
Variant type: single nucleotide variant.
Coding change: c.3036C>T on transcript NM_015175.3 (MANE Select); coding-DNA position 3036, C replaced by T.
Protein change: p.Ser1012=; no amino-acid change (serine 1012 retained).
Molecular consequence: synonymous variant.
Genome position (GRCh38, 1-based): chr3:46,998,144, C>T. VCF-style: chr3-46998144-C-T. GRCh37 (hg19) VCF-style: chr3-47039634-C-T.
Other names: p.Ser1012=; c.2934C>T, p.Ser978= (NM_001365116.2).
Identifiers: ClinVar variation 345648 (VCV000345648.12), dbSNP rs139218926, ClinGen allele CA2360815.

ClinVar aggregate classification (germline): Benign/Likely benign. Review status: criteria provided, multiple submitters, no conflicts (2 of 4 stars). 5 submissions from 5 submitters: Benign (2); Likely benign (3). Last evaluated 2026-07-01.

Conditions:
Gray platelet syndrome (GPS). Also called: BLEEDING DISORDER, PLATELET-TYPE, 4. Identifiers: Orphanet 721, MedGen C0272302, MONDO:0007686, OMIM 139090.

Allele frequency attached by ClinVar (database versions not stated): 1000 Genomes Project 30x 0.00094; 1000 Genomes Project 0.00100; TOPMed 0.00138; ESP Exome Variant Server 0.00193; gnomAD exomes 0.00356 and 0.00500; gnomAD 0.00398 and 0.00414; ExAC 0.00760.
gnomAD v4.1: 5,662 of 1,599,060 alleles (0.35%); highest among the groups gnomAD compares: Non-Finnish European, 0.3%; 38 homozygotes.

Submissions (5):

CeGaT Center for Human Genetics Tuebingen
Classification: Likely benign. Last evaluated: 2026-07-01. Review status: criteria provided, single submitter. Criteria: CeGaT Center For Human Genetics Tuebingen Variant Classification Criteria Version 2. Collection method: clinical testing. Allele origin: germline. Affected: yes. Observed: 1 variant allele.
Comment: NBEAL2: BP4, BP7

Mayo Clinic Laboratories, Mayo Clinic
Classification: Benign. Last evaluated: 2025-08-25. Review status: criteria provided, single submitter. Criteria: ACMG Guidelines, 2015. Collection method: clinical testing. Allele origin: germline. Observed: 1 variant allele.
Comment: BS1, BS2, BP4, BP7

Blueprint Genetics
Classification: Likely benign. Last evaluated: 2024-11-25. Review status: criteria provided, single submitter. Criteria: ACMG Guidelines, 2015. Collection method: clinical testing. Allele origin: germline.

Labcorp Genetics (formerly Invitae), Labcorp
Classification: Benign. Last evaluated: 2019-12-31. Review status: criteria provided, single submitter. Criteria: Invitae Variant Classification Sherloc (09022015). Collection method: clinical testing. Allele origin: germline.

Illumina Laboratory Services, Illumina
Classification: Likely benign for Gray platelet syndrome. Last evaluated: 2018-01-13. Review status: criteria provided, single submitter. Criteria: ICSL Variant Classification Criteria 13 December 2019. Collection method: clinical testing. Allele origin: germline.
Comment: This variant was observed in the ICSL laboratory as part of a predisposition screen in an ostensibly healthy population. It had not been previously curated by ICSL or reported in the Human Gene Mutation Database (HGMD: prior to June 1st, 2018), and was therefore a candidate for classification through an automated scoring system. Utilizing variant allele frequency, disease prevalence and penetrance estimates, and inheritance mode, an automated score was calculated to assess if this variant is too frequent to cause the disease. Based on the score and internal cut-off values, a variant classified as likely benign is not then subjected to further curation. The score for this variant resulted in a classification of likely benign for this disease.